The following is an entry in ClinVar:

NM_020778.5(ALPK3):c.1733C>T (p.Thr578Ile)

Gene: ALPK3 (alpha kinase 3; plus strand). Cytogenetic location: 15q25.3.
Variant type: single nucleotide variant.
Coding change: c.1733C>T on transcript NM_020778.5 (MANE Select); coding-DNA position 1733, C replaced by T.
Protein change: p.Thr578Ile; replaces threonine 578 with isoleucine.
Molecular consequence: missense variant.
Genome position (GRCh38, 1-based): chr15:84,856,471, C>T. VCF-style: chr15-84856471-C-T. GRCh37 (hg19) VCF-style: chr15-85399702-C-T.
Other names: short protein forms T578I.
Identifiers: ClinVar variation 2003752 (VCV002003752.4), dbSNP rs1335330614, ClinGen allele CA393354402.

ClinVar aggregate classification (germline): Uncertain significance (1 of 4 stars; one submission).

gnomAD v4.1: 1 of 1,614,150 alleles (0.000062%); highest among the groups gnomAD compares: African/African-American, 0.0013%; no homozygotes.

Submission:

Labcorp Genetics (formerly Invitae), Labcorp
Classification: Uncertain significance. Last evaluated: 2025-03-09. Review status: criteria provided, single submitter. Criteria: Invitae Variant Classification Sherloc (09022015). Collection method: clinical testing. Allele origin: germline.
Comment: This sequence change replaces threonine, which is neutral and polar, with isoleucine, which is neutral and non-polar, at codon 780 of the ALPK3 protein (p.Thr780Ile). This variant is not present in population databases (gnomAD no frequency). This variant has not been reported in the literature in individuals affected with ALPK3-related conditions. ClinVar contains an entry for this variant (Variation ID: 2003752). Invitae Evidence Modeling of protein sequence and biophysical properties (such as structural, functional, and spatial information, amino acid conservation, physicochemical variation, residue mobility, and thermodynamic stability) indicates that this missense variant is not expected to disrupt ALPK3 protein function with a negative predictive value of 80%. In summary, the available evidence is currently insufficient to determine the role of this variant in disease. Therefore, it has been classified as a Variant of Uncertain Significance.